The following is an entry in ClinVar:

Conditions:
Breast-ovarian cancer, familial, susceptibility to, 1 (BROVCA1). Also called: BRCA1 Hereditary Breast and Ovarian Cancer; OVARIAN CANCER, SUSCEPTIBILITY TO. Identifiers: Orphanet 145, MedGen C2676676, MONDO:0011450, OMIM 604370. Disease mechanism: loss of function.

Submission:

Brotman Baty Institute, University of Washington
No classification provided (evidence only). Condition: Breast-ovarian cancer, familial 1. Review status: no classification provided. Collection method: in vitro. Allele origin: not applicable. Functional consequence: functionally_normal.
ClinVar note: "not provided" was previously submitted as the classification for the variant. However, the classification appeared to be based only on an observation of functional data so it was converted to no classification on 2025-07-30.

NM_007294.4(BRCA1):c.210A>C (p.Lys70Asn)

Gene: BRCA1 (BRCA1 DNA repair associated; minus strand). Cytogenetic location: 17q21.31.
Variant type: single nucleotide variant.
Coding change: c.210A>C on transcript NM_007294.4 (MANE Select); coding-DNA position 210, A replaced by C.
Protein change: p.Lys70Asn; replaces lysine 70 with asparagine.
Molecular consequence: missense variant.
Genome position (GRCh38, 1-based): chr17:43,106,458, T>G on the plus strand (A>C on the coding strand, the complement: BRCA1 is on the minus strand). VCF-style: chr17-43106458-T-G. GRCh37 (hg19) VCF-style: chr17-41258475-T-G.
Other names: c.69A>C, p.Lys23Asn (NM_001408454.1, NM_001408455.1, NM_001408456.1 and 99 more transcripts); c.210A>C, p.Lys70Asn (NM_001408472.1, NM_001408473.1, NM_001408494.1 and 168 more transcripts); short protein forms K23N, K70N.
Identifiers: ClinVar variation 867336 (VCV000867336.3), dbSNP rs2054769885, ClinGen allele CA10601748.